The following is an entry in ClinVar:

NM_000458.4(HNF1B):c.1241G>A (p.Ser414Asn)

Gene: HNF1B (HNF1 homeobox B; minus strand). Cytogenetic location: 17q12.
Variant type: single nucleotide variant.
Coding change: c.1241G>A on transcript NM_000458.4 (MANE Select); coding-DNA position 1241, G replaced by A.
Protein change: p.Ser414Asn; replaces serine 414 with asparagine.
Molecular consequence: missense variant.
Genome position (GRCh38, 1-based): chr17:37,705,015, C>T on the plus strand (G>A on the coding strand, the complement: HNF1B is on the minus strand). VCF-style: chr17-37705015-C-T. GRCh37 (hg19) VCF-style: chr17-36065022-C-T.
Other names: c.1163G>A, p.Ser388Asn (NM_001165923.4, NM_001304286.2); short protein forms S388N, S414N.
Identifiers: ClinVar variation 1361165 (VCV001361165.6), dbSNP rs2147458161, ClinGen allele CA398757556.

ClinVar aggregate classification (germline): Uncertain significance (1 of 4 stars; one submission).

Allele frequency attached by ClinVar (database versions not stated): gnomAD exomes below 0.00001.
gnomAD v4.1: 1 of 1,614,052 alleles (0.000062%); highest among the groups gnomAD compares: Non-Finnish European, 0.000085%; no homozygotes.

Submission:

Labcorp Genetics (formerly Invitae), Labcorp
Classification: Uncertain significance. Last evaluated: 2024-10-29. Review status: criteria provided, single submitter. Criteria: Invitae Variant Classification Sherloc (09022015). Collection method: clinical testing. Allele origin: germline.
Comment: This sequence change replaces serine, which is neutral and polar, with asparagine, which is neutral and polar, at codon 414 of the HNF1B protein (p.Ser414Asn). This variant is not present in population databases (gnomAD no frequency). This variant has not been reported in the literature in individuals affected with HNF1B-related conditions. ClinVar contains an entry for this variant (Variation ID: 1361165). Invitae Evidence Modeling of protein sequence and biophysical properties (such as structural, functional, and spatial information, amino acid conservation, physicochemical variation, residue mobility, and thermodynamic stability) indicates that this missense variant is not expected to disrupt HNF1B protein function with a negative predictive value of 80%. In summary, the available evidence is currently insufficient to determine the role of this variant in disease. Therefore, it has been classified as a Variant of Uncertain Significance.